The following is an entry in ClinVar:

NM_000124.4(ERCC6):c.2870T>G (p.Val957Gly)

Genes: ERCC6 (ERCC excision repair 6, chromatin remodeling factor; minus strand), LOC126860933 (BRD4-independent group 4 enhancer GRCh37_chr10:50679962-50681161; plus strand). Cytogenetic location: 10q11.23.
Variant type: single nucleotide variant.
Coding change: c.2870T>G on transcript NM_000124.4 (MANE Select); coding-DNA position 2870, T replaced by G.
Protein change: p.Val957Gly; replaces valine 957 with glycine.
Molecular consequence: missense variant.
Genome position (GRCh38, 1-based): chr10:49,472,430, A>C on the plus strand (T>G on the coding strand, the complement: ERCC6 is on the minus strand). VCF-style: chr10-49472430-A-C. GRCh37 (hg19) VCF-style: chr10-50680476-A-C.
Other names: c.2870T>G, p.Val957Gly (NM_001346440.2); short protein forms V957G.
Identifiers: ClinVar variation 1704479 (VCV001704479.4), dbSNP rs1850797114, ClinGen allele CA376718541.
Genomic context (GRCh38, chr10:49,472,430, plus strand): 5'-ACTGACCGGTGGTAGATCTTTTCTTCAATGGTGCCCGCAGTCAGGAGCCTGTACACAGTC[A>C]CTTGCTTCTTCTGGCCTATTCTCCATGCTCGCTCCCGGGCCTGCAACAGAGAGAGAGAGA-3'
Protein context (NP_000115.1, residues 947-967): RAWRIGQKKQ[Val957Gly]TVYRLLTAGT

ClinVar aggregate classification (germline): Conflicting classifications of pathogenicity. Review status: criteria provided, conflicting classifications (1 of 4 stars). 4 submissions from 4 submitters: Likely pathogenic (2); Uncertain significance (2). Last evaluated 2026-01-21.

Conditions:
Magnetic resonance imaging of brain abnormal. Also called: Abnormal MRI brain. Identifiers: MedGen C1319851.
Intellectual disability. Also called: Intellectual developmental disorder; Intellectual functioning disability; intellectual disabilities. Identifiers: MedGen C3714756, MeSH D008607, MONDO:0001071, HP:0001249.
Cockayne spectrum with or without cerebrooculofacioskeletal syndrome. Identifiers: MedGen CN315928, MONDO:0100506.
Cockayne syndrome type 2 (CSB). Also called: Cockayne Syndrome, Type II; COCKAYNE SYNDROME B. Identifiers: Orphanet 191, Orphanet 90322, MedGen C0751038, MONDO:0019570, OMIM 133540.
UV-sensitive syndrome 1 (UVSS1). Identifiers: Orphanet 178338, MedGen C3551173, MONDO:0010909, OMIM 600630.
Lung cancer. Also called: Malignant tumor of lung; Lung cancer, somatic. Identifiers: MedGen C0242379, MONDO:0008903, OMIM 211980.
DE SANCTIS-CACCHIONE SYNDROME. Identifiers: MedGen C0265201, MONDO:0010217, OMIM 278800.
Age related macular degeneration 5. Identifiers: MedGen C3151063, MONDO:0013409, OMIM 613761.
Cerebrooculofacioskeletal syndrome 1 (COFS1). Also called: Cerebro-oculo-facio-skeletal syndrome 1. Identifiers: MedGen C0220722, MONDO:0008955, OMIM 214150.
Premature ovarian failure 11 (POF11). Identifiers: MedGen C4310783, MONDO:0014843, OMIM 616946.

Allele frequency attached by ClinVar (database versions not stated): gnomAD exomes below 0.00001; TOPMed below 0.00001.
gnomAD v4.1: 1 of 1,614,166 alleles (0.000062%); highest among the groups gnomAD compares: Non-Finnish European, 0.000085%; no homozygotes.

Submissions (4):

Clinical Genetics Laboratory, Skane University Hospital Lund
Classification: Uncertain significance for Intellectual disability; Magnetic resonance imaging of brain abnormal. Last evaluated: 2026-01-21. Review status: criteria provided, single submitter. Criteria: ACMG Guidelines, 2015. Collection method: clinical testing. Allele origin: inherited. Inheritance: Autosomal recessive inheritance. Affected: yes.
Comment: PM2,PM3_Moderate, PP3

Myriad Genetics, Inc.
Classification: Likely pathogenic for Cockayne spectrum with or without cerebrooculofacioskeletal syndrome. Last evaluated: 2025-10-01. Review status: criteria provided, single submitter. Criteria: Myriad Autosomal Dominant, Autosomal Recessive and X-Linked Classification Criteria (2023). Collection method: clinical testing. Allele origin: unknown.
Comment: NM_000124.2(ERCC6):c.2870T>G(V957G) is a missense variant classified as likely pathogenic in the context of ERCC6-related disorders. V957G has been observed in cases with relevant disease (PMID: 9443879, 32447277, 36699461). Relevant functional assessments of this variant are available in the literature (PMID: 9443879, 20122405). V957G has not been observed in referenced population frequency databases. In summary, NM_000124.2(ERCC6):c.2870T>G(V957G) is a missense variant that has functional support for pathogenicity and has been observed more frequently in cases with the relevant disease than in healthy populations. Please note: this variant was assessed in the context of healthy population screening.

Fulgent Genetics
Classification: Likely pathogenic for Cockayne syndrome type 2; Lung cancer; Cerebrooculofacioskeletal syndrome 1; DE SANCTIS-CACCHIONE SYNDROME; UV-sensitive syndrome 1; Age related macular degeneration 5; Premature ovarian failure 11. Last evaluated: 2024-02-27. Review status: criteria provided, single submitter. Criteria: ACMG Guidelines, 2015. Collection method: clinical testing. Allele origin: germline.

Women's Health and Genetics/Laboratory Corporation of America, LabCorp
Classification: Uncertain significance. Last evaluated: 2022-07-07. Review status: criteria provided, single submitter. Criteria: LabCorp Variant Classification Summary - May 2015. Collection method: clinical testing. Allele origin: germline.
Comment: Variant summary: ERCC6 c.2870T>G (p.Val957Gly) results in a non-conservative amino acid change located in the Helicase, C-terminal domain (IPR001650) of the encoded protein sequence. Five of five in-silico tools predict a damaging effect of the variant on protein function. The variant was absent in 251136 control chromosomes. c.2870T>G has been reported in the literature as a homozygous genotype in at-least one individual affected with Cockayne Syndrome (complementation group B) who continues to be subsequently cited in other reports (example Mallery_1998 cited in Laugel_2013, Calmels_2018, Vessoni_2020). These data indicate that the variant may be associated with disease. To our knowledge, no experimental evidence demonstrating an impact on protein function has been reported. No clinical diagnostic laboratories have submitted clinical-significance assessments for this variant to ClinVar after 2014. Based on the evidence outlined above, the variant was classified as VUS-possibly pathogenic.

Literature cited by the submitters: PubMed 20122405 (cited by Myriad Genetics, Inc.); PubMed 32447277 (cited by Myriad Genetics, Inc.); PubMed 36699461 (cited by Myriad Genetics, Inc.); PubMed 9443879 (cited by Myriad Genetics, Inc. and Women's Health and Genetics/Laboratory Corporation of America, LabCorp); PubMed 29572252 (cited by Women's Health and Genetics/Laboratory Corporation of America, LabCorp); PubMed 32453336 (cited by Women's Health and Genetics/Laboratory Corporation of America, LabCorp); PubMed 23428416 (cited by Women's Health and Genetics/Laboratory Corporation of America, LabCorp).